The following is an entry in ClinVar:

ClinVar aggregate classification (germline): Pathogenic (1 of 4 stars; one submission).

Conditions:
3-methylcrotonyl-CoA carboxylase 1 deficiency (MCC1D). Also called: MCCD TYPE 1; METHYLCROTONYLGLYCINURIA TYPE I; MCC 1 deficiency; 3 Alpha methylcrotonylglycinuria 1. Identifiers: Orphanet 6, MedGen CN028786, MONDO:0008861, OMIM 210200.

Submission:

Labcorp Genetics (formerly Invitae), Labcorp
Classification: Pathogenic for 3-methylcrotonyl-CoA carboxylase 1 deficiency. Last evaluated: 2023-05-19. Review status: criteria provided, single submitter. Criteria: Invitae Variant Classification Sherloc (09022015). Collection method: clinical testing. Allele origin: germline.
Comment: This variant has not been reported in the literature in individuals affected with MCCC1-related conditions. For these reasons, this variant has been classified as Pathogenic. Algorithms developed to predict the effect of sequence changes on RNA splicing suggest that this variant may create or strengthen a splice site. This variant is not present in population databases (gnomAD no frequency). This sequence change creates a premature translational stop signal (p.Val321Trpfs*16) in the MCCC1 gene. It is expected to result in an absent or disrupted protein product. Loss-of-function variants in MCCC1 are known to be pathogenic (PMID: 11181649, 15359379, 22642865).

Literature cited by the submitters: PubMed 11181649; PubMed 15359379; PubMed 22642865.

NM_020166.5(MCCC1):c.960del (p.Val321fs)

Gene: MCCC1 (methylcrotonyl-CoA carboxylase subunit 1; minus strand). Cytogenetic location: 3q27.1.
Variant type: Deletion.
Coding change: c.960del on transcript NM_020166.5 (MANE Select); coding-DNA position 960, one base deleted (T; older notation c.960delT).
Protein change: p.Val321fs; shifts the reading frame from valine 321.
Molecular consequence: frameshift variant. On other transcripts: non-coding transcript variant (2).
Genome position (GRCh38, 1-based): chr3:183,045,536, A deleted on the plus strand (T on the coding strand, the reverse complement: MCCC1 is on the minus strand). VCF-style (leftmost placement, unchanged base first): chr3-183045535-CA-C. GRCh37 (hg19) VCF-style: chr3-182763323-CA-C.
Other names: c.609del, p.Val204fs (NM_001293273.2); c.633del, p.Val212fs (NM_001363880.1); short protein forms V321fs, V204fs, V212fs.
Identifiers: ClinVar variation 2865646 (VCV002865646.3), dbSNP rs2530195072, ClinGen allele CA2739278377.